The following is an entry in ClinVar:

NM_152564.5(VPS13B):c.10384C>G (p.Leu3462Val)

Gene: VPS13B (vacuolar protein sorting 13 homolog B; plus strand). Cytogenetic location: 8q22.2.
Variant type: single nucleotide variant.
Coding change: c.10384C>G on transcript NM_152564.5 (MANE Select); coding-DNA position 10384, C replaced by G.
Protein change: p.Leu3462Val; replaces leucine 3462 with valine.
Molecular consequence: missense variant.
Genome position (GRCh38, 1-based): chr8:99,853,773, C>G. VCF-style: chr8-99853773-C-G. GRCh37 (hg19) VCF-style: chr8-100866001-C-G.
Other names: c.10459C>G, p.Leu3487Val (NM_017890.5); short protein forms L3462V, L3487V.
Identifiers: ClinVar variation 1033868 (VCV001033868.1), dbSNP rs761972356, ClinGen allele CA4824940.

ClinVar aggregate classification (germline): Uncertain significance (1 of 4 stars; one submission).

Conditions:
Cohen syndrome (COH1). Also called: PEPPER SYNDROME; Cutis verticis gyrata, retinitis pigmentosa, and sensorineural deafness. Identifiers: Orphanet 193, MedGen C0265223, MONDO:0008999, OMIM 216550.

Allele frequency attached by ClinVar (database versions not stated): ExAC 0.00001.
gnomAD v4.1: 3 of 1,614,232 alleles (0.00019%); highest among the groups gnomAD compares: South Asian, 0.0011%; no homozygotes.

Submission:

Baylor Genetics
Classification: Uncertain significance for Cohen syndrome. Last evaluated: 2018-04-20. Review status: criteria provided, single submitter. Criteria: ACMG Guidelines, 2015. Collection method: clinical testing. Allele origin: maternal. Affected: yes.
Comment: This variant was determined to be of uncertain significance according to ACMG Guidelines, 2015 [PMID:25741868].